The following is an entry in ClinVar:

ClinVar aggregate classification (germline): Likely benign (1 of 4 stars; one submission).

Conditions:
CREBBP-related disorder. Also called: CREBBP-related disorders; CREBBP-related condition.

gnomAD v4.1: 25 of 1,613,700 alleles (0.0015%); highest among the groups gnomAD compares: Non-Finnish European, 0.0012%; no homozygotes.

Submission:

PreventionGenetics, part of Exact Sciences
Classification: Likely benign for CREBBP-related condition. Last evaluated: 2025-09-13. Review status: criteria provided, single submitter. Criteria: ACMG Guidelines, 2015. Collection method: clinical testing. Allele origin: germline.
Comment: This variant is classified as likely benign based on ACMG/AMP sequence variant interpretation guidelines (Richards et al. 2015 PMID: 25741868, with internal and published modifications).

NM_004380.3(CREBBP):c.813G>C (p.Gly271=)

Gene: CREBBP (CREB binding lysine acetyltransferase; minus strand). Cytogenetic location: 16p13.3.
Variant type: single nucleotide variant.
Coding change: c.813G>C on transcript NM_004380.3 (MANE Select); coding-DNA position 813, G replaced by C.
Protein change: p.Gly271=; no amino-acid change (glycine 271 retained).
Molecular consequence: synonymous variant.
Genome position (GRCh38, 1-based): chr16:3,810,765, C>G on the plus strand (G>C on the coding strand, the complement: CREBBP is on the minus strand). VCF-style: chr16-3810765-C-G. GRCh37 (hg19) VCF-style: chr16-3860766-C-G.
Other names: c.813G>C, p.Gly271= (NM_001079846.1).
Identifiers: ClinVar variation 4985731 (VCV004985731.1).